The following is an entry in ClinVar:

ClinVar aggregate classification (germline): Uncertain significance. Review status: criteria provided, multiple submitters, no conflicts (2 of 4 stars). 4 submissions from 4 submitters: Uncertain significance (3). 1 of the submissions does not count toward it. Last evaluated 2024-11-01.

Conditions:
VPS13A-related neurodegenerative disease. Also called: Choreoacanthocytosis; Chorea-acanthocytosis; Choreaacanthocytosis; VPS13A Disease; LEVINE-CRITCHLEY SYNDROME; ACANTHOCYTOSIS WITH NEUROLOGIC DISORDER. Identifiers: Orphanet 2388, MedGen C0393576, MONDO:0008695, OMIM 200150.

Allele frequency attached by ClinVar (database versions not stated): ExAC 0.00001; TOPMed 0.00001; gnomAD 0.00002; gnomAD exomes 0.00002.
gnomAD v4.1: 34 of 1,612,834 alleles (0.0021%); highest among the groups gnomAD compares: Non-Finnish European, 0.0015%; no homozygotes.

Submissions (4):

Women's Health and Genetics/Laboratory Corporation of America, LabCorp
Classification: Uncertain significance. Last evaluated: 2024-11-01. Review status: criteria provided, single submitter. Criteria: LabCorp Variant Classification Summary - May 2015. Collection method: clinical testing. Allele origin: germline.
Comment: Variant summary: VPS13A c.4826C>T (p.Pro1609Leu) results in a non-conservative amino acid change in the encoded protein sequence. Four of five in-silico tools predict a damaging effect of the variant on protein function. The variant allele was found at a frequency of 2.4e-05 in 250844 control chromosomes. The available data on variant occurrences in the general population are insufficient to allow any conclusion about variant significance. To our knowledge, no occurrence of c.4826C>T in individuals affected with Choreoacanthocytosis and no experimental evidence demonstrating its impact on protein function have been reported. ClinVar contains an entry for this variant (Variation ID: 448865). Based on the evidence outlined above, the variant was classified as uncertain significance.

Blueprint Genetics
Classification: Uncertain significance. Last evaluated: 2024-05-16. Review status: criteria provided, single submitter. Criteria: ACMG Guidelines, 2015. Collection method: clinical testing. Allele origin: germline.

Athena Diagnostics
Classification: Uncertain significance. Last evaluated: 2017-02-07. Review status: criteria provided, single submitter. Criteria: Athena Diagnostics Criteria. Collection method: clinical testing. Allele origin: germline.

Natera, Inc.
Classification: Uncertain significance for Choreaacanthocytosis. Last evaluated: 2019-11-11. Review status: no assertion criteria provided. Collection method: clinical testing. Allele origin: germline. Not counted in ClinVar's aggregate classification.

NM_033305.3(VPS13A):c.4826C>T (p.Pro1609Leu)

Gene: VPS13A (vacuolar protein sorting 13 homolog A; plus strand). Cytogenetic location: 9q21.2.
Variant type: single nucleotide variant.
Coding change: c.4826C>T on transcript NM_033305.3 (MANE Select); coding-DNA position 4826, C replaced by T.
Protein change: p.Pro1609Leu; replaces proline 1609 with leucine.
Molecular consequence: missense variant.
Genome position (GRCh38, 1-based): chr9:77,316,369, C>T. VCF-style: chr9-77316369-C-T. GRCh37 (hg19) VCF-style: chr9-79931285-C-T.
Other names: c.4709C>T, p.Pro1570Leu (NM_001018037.2); c.4826C>T, p.Pro1609Leu (NM_001018038.3, NM_015186.4); short protein forms P1609L, P1570L.
Identifiers: ClinVar variation 448865 (VCV000448865.4), dbSNP rs755454094, ClinGen allele CA5092606.
Genomic context (GRCh38, chr9:77,316,369, plus strand): 5'-GTAACCTTGAAAATAGTACAATGACTGCTGCCATTAAAGATCTCCAAGTGAGAGCCTGCC[C>T]GTTTCTTCCAGTCAAGAGAAAAGGCAAAATCACTACTGTGAGTTAACTATTTGATCATCT-3'
Protein context (NP_150648.2, residues 1599-1619): AIKDLQVRAC[Pro1609Leu]FLPVKRKGKI